The following is an entry in ClinVar:

ClinVar aggregate classification (germline): Uncertain significance (1 of 4 stars; one submission).

gnomAD v4.1: 5 of 1,614,236 alleles (0.00031%); highest among the groups gnomAD compares: East Asian, 0.0022%; no homozygotes.

Submission:

Labcorp Genetics (formerly Invitae), Labcorp
Classification: Uncertain significance. Last evaluated: 2025-01-06. Review status: criteria provided, single submitter. Criteria: Invitae Variant Classification Sherloc (09022015). Collection method: clinical testing. Allele origin: germline.
Comment: This sequence change replaces proline, which is neutral and non-polar, with alanine, which is neutral and non-polar, at codon 1926 of the NSD1 protein (p.Pro1926Ala). This variant is present in population databases (rs757822664, gnomAD 0.006%). This variant has not been reported in the literature in individuals affected with NSD1-related conditions. Invitae Evidence Modeling of protein sequence and biophysical properties (such as structural, functional, and spatial information, amino acid conservation, physicochemical variation, residue mobility, and thermodynamic stability) has been performed for this missense variant. However, the output from this modeling did not meet the statistical confidence thresholds required to predict the impact of this variant on NSD1 protein function. In summary, the available evidence is currently insufficient to determine the role of this variant in disease. Therefore, it has been classified as a Variant of Uncertain Significance.

NM_022455.5(NSD1):c.5776C>G (p.Pro1926Ala)

Gene: NSD1 (nuclear receptor binding SET domain protein 1; plus strand). Cytogenetic location: 5q35.3.
Variant type: single nucleotide variant.
Coding change: c.5776C>G on transcript NM_022455.5 (MANE Select); coding-DNA position 5776, C replaced by G.
Protein change: p.Pro1926Ala; replaces proline 1926 with alanine.
Molecular consequence: missense variant.
Genome position (GRCh38, 1-based): chr5:177,280,718, C>G. VCF-style: chr5-177280718-C-G. GRCh37 (hg19) VCF-style: chr5-176707719-C-G.
Other names: c.4903C>G, p.Pro1635Ala (NM_001365684.2, NM_001409308.1, NM_001409309.1 and 1 more transcripts); c.5776C>G, p.Pro1926Ala (NM_001409301.1, NM_001409302.1, NM_001409303.1); c.5356C>G, p.Pro1786Ala (NM_001409304.1); c.5023C>G, p.Pro1675Ala (NM_001409305.1); c.5014C>G, p.Pro1672Ala (NM_001409306.1, NM_001409307.1); short protein forms P1635A, P1672A, P1675A, P1786A, P1926A.
Identifiers: ClinVar variation 3607779 (VCV003607779.2).
Genomic context (GRCh38, chr5:177,280,718, plus strand): 5'-GGGATAGACTCTGAATGCATCAACCGCATGCTGCTCTATGAGTGCCACCCCACAGTGTGT[C>G]CTGCCGGAGGGCGCTGTCAAAACCAGTGCTTTTCCAAGCGCCAATATCCAGAGGTTGAAA-3'
Protein context (NP_071900.2, residues 1916-1936): LLYECHPTVC[Pro1926Ala]AGGRCQNQCF